The following is an entry in ClinVar:

ClinVar aggregate classification (germline): Likely pathogenic (1 of 4 stars; one submission).

Conditions:
Chopra-Amiel-Gordon syndrome (CAGS). Also called: ANKRD17-Related Neurodevelopmental Syndrome. Identifiers: MedGen C5561975, MONDO:0859186, OMIM 619504.

Submission:

Genetics and Molecular Pathology, SA Pathology
Classification: Likely pathogenic for Chopra-Amiel-Gordon syndrome. Last evaluated: 2023-03-07. Review status: criteria provided, single submitter. Criteria: ACMG Guidelines, 2015. Collection method: clinical testing. Allele origin: germline. Inheritance: Autosomal dominant inheritance. Affected: yes.
Comment: The ANKRD17 c.1887del variant is classified as Likely Pathogenic (PVS1_Strong, PM2) This ANKRD17 c.1887del variant is located in exon 11/34 and is predicted to cause a shift in the reading frame at codon 630. This variant is absent from population databases (PM2). This variant has not been reported in dbSNP, ClinVar or HGMD.

NM_032217.5(ANKRD17):c.1887del (p.Gly630fs)

Gene: ANKRD17 (ankyrin repeat domain 17; minus strand). Cytogenetic location: 4q13.3.
Variant type: Deletion.
Coding change: c.1887del on transcript NM_032217.5 (MANE Select); coding-DNA position 1887, one base deleted (T; older notation c.1887delT).
Protein change: p.Gly630fs; shifts the reading frame from glycine 630.
Molecular consequence: frameshift variant.
Genome position (GRCh38, 1-based): chr4:73,144,815, A deleted on the plus strand (T on the coding strand, the reverse complement: ANKRD17 is on the minus strand). VCF-style (leftmost placement, unchanged base first): chr4-73144814-CA-C. GRCh37 (hg19) VCF-style: chr4-74010531-CA-C.
Other names: c.1548del, p.Gly517fs (NM_001286771.3); c.1887del, p.Gly630fs (NM_015574.2, NM_198889.3); c.1887delT (NM_032217.5); short protein forms G517fs, G630fs.
Identifiers: ClinVar variation 2664778 (VCV002664778.1), dbSNP rs2531070828, ClinGen allele CA2573334997.